The following is an entry in ClinVar:

ClinVar aggregate classification (germline): Uncertain significance (1 of 4 stars; one submission).

Conditions:
Ectodermal dysplasia and immunodeficiency 2. Identifiers: Orphanet 238468, Orphanet 98813, MedGen C2677481, MONDO:0012806, OMIM 612132.

Allele frequency attached by ClinVar (database versions not stated): gnomAD 0.00001.
gnomAD v4.1: 3 of 1,613,420 alleles (0.00019%); highest among the groups gnomAD compares: African/African-American, 0.0027%; no homozygotes.

Submission:

Labcorp Genetics (formerly Invitae), Labcorp
Classification: Uncertain significance for Ectodermal dysplasia and immunodeficiency 2. Last evaluated: 2023-05-08. Review status: criteria provided, single submitter. Criteria: Invitae Variant Classification Sherloc (09022015). Collection method: clinical testing. Allele origin: germline.
Comment: In summary, the available evidence is currently insufficient to determine the role of this variant in disease. Therefore, it has been classified as a Variant of Uncertain Significance. An algorithm developed to predict the effect of missense changes on protein structure and function (PolyPhen-2) suggests that this variant is likely to be disruptive. ClinVar contains an entry for this variant (Variation ID: 1524384). This variant has not been reported in the literature in individuals affected with NFKBIA-related conditions. This variant is not present in population databases (gnomAD no frequency). This sequence change replaces glutamine, which is neutral and polar, with arginine, which is basic and polar, at codon 107 of the NFKBIA protein (p.Gln107Arg).

NM_020529.3(NFKBIA):c.320A>G (p.Gln107Arg)

Gene: NFKBIA (NFKB inhibitor alpha; minus strand). Cytogenetic location: 14q13.2.
Variant type: single nucleotide variant.
Coding change: c.320A>G on transcript NM_020529.3 (MANE Select); coding-DNA position 320, A replaced by G.
Protein change: p.Gln107Arg; replaces glutamine 107 with arginine.
Molecular consequence: missense variant.
Genome position (GRCh38, 1-based): chr14:35,403,706, T>C on the plus strand (A>G on the coding strand, the complement: NFKBIA is on the minus strand). VCF-style: chr14-35403706-T-C. GRCh37 (hg19) VCF-style: chr14-35872912-T-C.
Other names: short protein forms Q107R.
Identifiers: ClinVar variation 1524384 (VCV001524384.6), dbSNP rs1430171440, ClinGen allele CA389454129.